The following is an entry in ClinVar:

NM_020366.4(RPGRIP1):c.2557T>G (p.Phe853Val)

Gene: RPGRIP1 (RPGR interacting protein 1; plus strand). Cytogenetic location: 14q11.2.
Variant type: single nucleotide variant.
Coding change: c.2557T>G on transcript NM_020366.4 (MANE Select); coding-DNA position 2557, T replaced by G.
Protein change: p.Phe853Val; replaces phenylalanine 853 with valine.
Molecular consequence: missense variant. On other transcripts: intron variant (4).
Genome position (GRCh38, 1-based): chr14:21,326,020, T>G. VCF-style: chr14-21326020-T-G. GRCh37 (hg19) VCF-style: chr14-21794179-T-G.
Other names: c.1483T>G, p.Phe495Val (NM_001377948.1); c.796+1295T>G (NM_001377949.1); c.689-1603T>G (NM_001377523.1, NM_001377950.1); c.191-1603T>G (NM_001377951.1); c.2557T>G (NM_020366.3); short protein forms F495V, F853V.
Identifiers: ClinVar variation 1001870 (VCV001001870.9), dbSNP rs755901634, ClinGen allele CA7089295.

ClinVar aggregate classification (germline): Uncertain significance. Review status: criteria provided, multiple submitters, no conflicts (2 of 4 stars). 2 submissions from 2 submitters: Uncertain significance (2). Last evaluated 2025-08-26.

Conditions:
Inborn genetic diseases. Identifiers: MedGen C0950123, MeSH D030342.
Leber congenital amaurosis 6 (LCA6). Identifiers: Orphanet 65, MedGen C1854260, MONDO:0013446, OMIM 613826.
Cone-rod dystrophy 13 (CORD13). Identifiers: Orphanet 1872, MedGen C2750720, MONDO:0011987, OMIM 608194.

Allele frequency attached by ClinVar (database versions not stated): gnomAD exomes below 0.00001 and 0.00001; ExAC 0.00001; gnomAD 0.00001; TOPMed 0.00001.
gnomAD v4.1: 13 of 1,613,882 alleles (0.00081%); highest among the groups gnomAD compares: African/African-American, 0.0027%; no homozygotes.

Submissions (2):

Ambry Genetics
Classification: Uncertain significance for Inborn genetic diseases. Last evaluated: 2025-08-26. Review status: criteria provided, single submitter. Criteria: Ambry Variant Classification Scheme 2023. Collection method: clinical testing. Allele origin: germline.

Labcorp Genetics (formerly Invitae), Labcorp
Classification: Uncertain significance for Leber congenital amaurosis 6; Cone-rod dystrophy 13. Last evaluated: 2024-02-17. Review status: criteria provided, single submitter. Criteria: Invitae Variant Classification Sherloc (09022015). Collection method: clinical testing. Allele origin: germline.
Comment: This sequence change replaces phenylalanine, which is neutral and non-polar, with valine, which is neutral and non-polar, at codon 853 of the RPGRIP1 protein (p.Phe853Val). This variant is present in population databases (rs755901634, gnomAD 0.0009%). This variant has not been reported in the literature in individuals affected with RPGRIP1-related conditions. ClinVar contains an entry for this variant (Variation ID: 1001870). Advanced modeling of protein sequence and biophysical properties (such as structural, functional, and spatial information, amino acid conservation, physicochemical variation, residue mobility, and thermodynamic stability) performed at Invitae indicates that this missense variant is expected to disrupt RPGRIP1 protein function with a positive predictive value of 80%. In summary, the available evidence is currently insufficient to determine the role of this variant in disease. Therefore, it has been classified as a Variant of Uncertain Significance.